The following is an entry in ClinVar:

ClinVar aggregate classification (germline): Pathogenic/Likely pathogenic. Review status: criteria provided, multiple submitters, no conflicts (2 of 4 stars). 2 submissions from 2 submitters: Pathogenic (1); Likely pathogenic (1). Last evaluated 2026-02-14.

Conditions:
Hyperphosphatasia with impaired intellectual development syndrome 2. Also called: GLYCOSYLPHOSPHATIDYLINOSITOL BIOSYNTHESIS DEFECT 6; Hyperphosphatasia with intellectual disability syndrome 2. Identifiers: Orphanet 247262, MedGen C3553637, MONDO:0013882, OMIM 614749.

gnomAD v4.1: 3 of 1,614,084 alleles (0.00019%); highest among the groups gnomAD compares: African/African-American, 0.004%; no homozygotes.

Submissions (2):

GeneDx
Classification: Pathogenic. Last evaluated: 2026-02-14. Review status: criteria provided, single submitter. Criteria: GeneDx Variant Classification Process June 2021. Collection method: clinical testing. Allele origin: germline. Affected: yes.
Comment: Nonsense variant predicted to result in protein truncation or nonsense mediated decay in a gene for which loss of function is a known mechanism of disease; Not observed at significant frequency in large population cohorts (gnomAD); Has not been previously published as pathogenic or benign to our knowledge

Greenwood Genetic Center Diagnostic Laboratories, Greenwood Genetic Center
Classification: Likely pathogenic for Hyperphosphatasia with impaired intellectual development syndrome 2. Last evaluated: 2024-10-22. Review status: criteria provided, single submitter. Criteria: ACMG Guidelines, 2015. Collection method: clinical testing. Allele origin: germline. Affected: yes.
Comment: PVS1, PM2

NM_032634.4(PIGO):c.2557G>T (p.Glu853Ter)

Gene: PIGO (phosphatidylinositol glycan anchor biosynthesis class O; minus strand). Cytogenetic location: 9p13.3.
Variant type: single nucleotide variant.
Coding change: c.2557G>T on transcript NM_032634.4 (MANE Select); coding-DNA position 2557, G replaced by T.
Protein change: p.Glu853Ter; replaces glutamic acid 853 with a stop codon.
Molecular consequence: nonsense. On other transcripts: intron variant (2).
Genome position (GRCh38, 1-based): chr9:35,091,330, C>A on the plus strand (G>T on the coding strand, the complement: PIGO is on the minus strand). VCF-style: chr9-35091330-C-A. GRCh37 (hg19) VCF-style: chr9-35091327-C-A.
Other names: c.1345-39G>T (NM_152850.4, NM_001201484.2); c.2557G>T (NM_032634.3); short protein forms E853*.
Identifiers: ClinVar variation 3765721 (VCV003765721.2).